The following is an entry in ClinVar:

NM_133259.4(LRPPRC):c.2766G>C (p.Arg922Ser)

Gene: LRPPRC (leucine rich pentatricopeptide repeat containing; minus strand). Cytogenetic location: 2p21.
Variant type: single nucleotide variant.
Coding change: c.2766G>C on transcript NM_133259.4 (MANE Select); coding-DNA position 2766, G replaced by C.
Protein change: p.Arg922Ser; replaces arginine 922 with serine.
Molecular consequence: missense variant.
Genome position (GRCh38, 1-based): chr2:43,925,932, C>G on the plus strand (G>C on the coding strand, the complement: LRPPRC is on the minus strand). VCF-style: chr2-43925932-C-G. GRCh37 (hg19) VCF-style: chr2-44153071-C-G.
Other names: short protein forms R922S.
Identifiers: ClinVar variation 5003587 (VCV005003587.1).

ClinVar aggregate classification (germline): Uncertain significance (1 of 4 stars; one submission).

Conditions:
Congenital lactic acidosis, Saguenay-Lac-Saint-Jean type (MC4DN5). Also called: CYTOCHROME c OXIDASE DEFICIENCY, FRENCH CANADIAN TYPE; COX DEFICIENCY, FRENCH CANADIAN TYPE; MITOCHONDRIAL COMPLEX IV DEFICIENCY, NUCLEAR TYPE 5. Identifiers: Orphanet 70472, MedGen C1857355, MONDO:0009069, OMIM 220111.

gnomAD v4.1: 13 of 1,612,514 alleles (0.00081%); highest among the groups gnomAD compares: Non-Finnish European, 0.001%; no homozygotes.

Submission:

Myriad Genetics, Inc.
Classification: Uncertain significance for Congenital lactic acidosis, Saguenay-Lac-Saint-Jean type. Last evaluated: 2025-10-28. Review status: criteria provided, single submitter. Criteria: Myriad Autosomal Dominant, Autosomal Recessive and X-Linked Classification Criteria (2023). Collection method: clinical testing. Allele origin: unknown.
Comment: NM_133259.3(LRPPRC):c.2766G>C(R922S) is a missense variant classified as a variant of uncertain significance in the context of Leigh syndrome, French-Canadian type. R922S has not been observed in cases with relevant disease. Relevant functional assessments of this variant are not available in the literature. R922S has not been observed in referenced population frequency databases. In summary, there is insufficient evidence to classify NM_133259.3(LRPPRC):c.2766G>C(R922S) as pathogenic or benign. Please note: this variant was assessed in the context of healthy population screening.